The following is an entry in ClinVar:

NM_004360.5(CDH1):c.164-5T>C

Gene: CDH1 (cadherin 1; plus strand). Cytogenetic location: 16q22.1.
Variant type: single nucleotide variant.
Coding change: c.164-5T>C on transcript NM_004360.5 (MANE Select); 5 bases into the intron before coding-DNA position 164, T replaced by C.
Molecular consequence: intron variant.
Genome position (GRCh38, 1-based): chr16:68,801,665, T>C. VCF-style: chr16-68801665-T-C. GRCh37 (hg19) VCF-style: chr16-68835568-T-C.
Other names: c.-1452-5T>C (NM_001317185.2); c.-1656-5T>C (NM_001317186.2); c.164-5T>C (NM_001317184.2, NM_004360.3).
Identifiers: ClinVar variation 1632588 (VCV001632588.10), dbSNP rs2152126582, ClinGen allele CA2573152576.

ClinVar aggregate classification (germline): Conflicting classifications of pathogenicity. Review status: criteria provided, conflicting classifications (1 of 4 stars). 3 submissions from 3 submitters: Uncertain significance (1); Likely benign (2). Last evaluated 2025-10-01.

Conditions:
Hereditary cancer-predisposing syndrome. Also called: Hereditary Cancer Syndrome; Tumor predisposition; Neoplastic Syndromes, Hereditary; Hereditary neoplastic syndrome. Identifiers: Orphanet 140162, MedGen C0027672, MeSH D009386, MONDO:0015356.
Hereditary diffuse gastric adenocarcinoma (HDGC). Also called: DIFFUSE GASTRIC AND LOBULAR BREAST CANCER SYNDROME. Identifiers: Orphanet 26106, MedGen C1708349, MONDO:0007648, OMIM 137215.

Submissions (3):

Ambry Genetics
Classification: Uncertain significance for Hereditary cancer-predisposing syndrome. Last evaluated: 2025-10-01. Review status: criteria provided, single submitter. Criteria: Ambry Variant Classification Scheme 2023. Collection method: clinical testing. Allele origin: germline.
Comment: The c.164-5T>C intronic variant results from a T to C substitution 5 nucleotides upstream from coding exon 3 in the CDH1 gene. This nucleotide position is well conserved in available vertebrate species. In silico splice site analysis predicts that this alteration will not have any significant effect on splicing. Based on the available evidence, the clinical significance of this variant remains unclear.

Myriad Genetics, Inc.
Classification: Likely benign for Hereditary diffuse gastric adenocarcinoma. Last evaluated: 2024-09-12. Review status: criteria provided, single submitter. Criteria: Myriad Autosomal Dominant, Autosomal Recessive and X-Linked Classification Criteria (2023). Collection method: clinical testing. Allele origin: unknown.
Comment: This variant is considered likely benign. This variant is intronic and is not expected to impact mRNA splicing.

Labcorp Genetics (formerly Invitae), Labcorp
Classification: Likely benign for Hereditary diffuse gastric adenocarcinoma. Last evaluated: 2024-04-09. Review status: criteria provided, single submitter. Criteria: Invitae Variant Classification Sherloc (09022015). Collection method: clinical testing. Allele origin: germline.